The following is an entry in ClinVar:

NM_001144967.3(NEDD4L):c.2186G>T (p.Gly729Val)

Gene: NEDD4L (NEDD4 like E3 ubiquitin protein ligase; plus strand). Cytogenetic location: 18q21.31.
Variant type: single nucleotide variant.
Coding change: c.2186G>T on transcript NM_001144967.3 (MANE Select); coding-DNA position 2186, G replaced by T.
Protein change: p.Gly729Val; replaces glycine 729 with valine.
Molecular consequence: missense variant.
Genome position (GRCh38, 1-based): chr18:58,370,397, G>T. VCF-style: chr18-58370397-G-T. GRCh37 (hg19) VCF-style: chr18-56037629-G-T.
Other names: c.1823G>T, p.Gly608Val (NM_001144964.1, NM_001144965.2, NM_001144966.3); c.2162G>T, p.Gly721Val (NM_001144968.2); c.2102G>T, p.Gly701Val (NM_001144969.2); c.1763G>T, p.Gly588Val (NM_001144970.3, NM_001144971.2); c.1994G>T, p.Gly665Val (NM_001243960.2); c.2126G>T, p.Gly709Val (NM_015277.6); short protein forms G588V, G608V, G665V, G701V, G709V, G721V, G729V.
Identifiers: ClinVar variation 3764314 (VCV003764314.2).

ClinVar aggregate classification (germline): Uncertain significance (1 of 4 stars; one submission).

Submission:

GeneDx
Classification: Uncertain significance. Last evaluated: 2025-05-09. Review status: criteria provided, single submitter. Criteria: GeneDx Variant Classification Process June 2021. Collection method: clinical testing. Allele origin: germline.
Comment: Not observed at significant frequency in large population cohorts (gnomAD); In silico analysis supports that this missense variant has a deleterious effect on protein structure/function; In silico analysis is inconclusive as to whether the variant alters gene splicing. In the absence of RNA/functional studies, the actual effect of this sequence change is unknown.; Has not been previously published as pathogenic or benign to our knowledge